The following is an entry in ClinVar:

ClinVar aggregate classification (germline): Uncertain significance (1 of 4 stars; one submission).

Conditions:
Inborn genetic diseases. Identifiers: MedGen C0950123, MeSH D030342.

Submission:

Ambry Genetics
Classification: Uncertain significance for Inborn genetic diseases. Last evaluated: 2025-02-07. Review status: criteria provided, single submitter. Criteria: Ambry Variant Classification Scheme 2023. Collection method: clinical testing. Allele origin: germline.
Comment: The c.299G>A (p.G100E) alteration is located in exon 1 (coding exon 1) of the FGF10 gene. This alteration results from a G to A substitution at nucleotide position 299, causing the glycine (G) at amino acid position 100 to be replaced by a glutamic acid (E). This variant was not reported in population-based cohorts in the Genome Aggregation Database (gnomAD). This amino acid position is highly conserved in available vertebrate species. This alteration is predicted to be deleterious by in silico analysis. Based on insufficient or conflicting evidence, the clinical significance of this alteration remains unclear.

NM_004465.2(FGF10):c.299G>A (p.Gly100Glu)

Gene: FGF10 (fibroblast growth factor 10; minus strand). Cytogenetic location: 5p12.
Variant type: single nucleotide variant.
Coding change: c.299G>A on transcript NM_004465.2 (MANE Select); coding-DNA position 299, G replaced by A.
Protein change: p.Gly100Glu; replaces glycine 100 with glutamic acid.
Molecular consequence: missense variant.
Genome position (GRCh38, 1-based): chr5:44,388,384, C>T on the plus strand (G>A on the coding strand, the complement: FGF10 is on the minus strand). VCF-style: chr5-44388384-C-T. GRCh37 (hg19) VCF-style: chr5-44388486-C-T.
Other names: short protein forms G100E.
Identifiers: ClinVar variation 3514919 (VCV003514919.2).